The following is an entry in ClinVar:

ClinVar aggregate classification (germline): Likely pathogenic (1 of 4 stars; one submission).

Conditions:
Intellectual developmental disorder, autosomal dominant 48. Also called: MENTAL RETARDATION, AUTOSOMAL DOMINANT 48; Intellectual disability, autosomal dominant 48. Identifiers: Orphanet 500159, MedGen C4540321, MONDO:0030913, OMIM 617751.

Submission:

Juno Genomics, Hangzhou Juno Genomics, Inc
Classification: Likely pathogenic for Intellectual developmental disorder, autosomal dominant 48. Review status: criteria provided, single submitter. Criteria: ACMG Guidelines, 2015. Collection method: clinical testing. Allele origin: germline.
Comment: Absent from controls (or at extremely low frequency if recessive) in Genome Aggregation Database.;Multiple lines of computational evidence support a deleterious effect on the gene or gene product.;Missense variant in a gene that has a low rate of benign missense variation.;Located in a mutational hot spot and/or critical and well-established functional domain without benign variation.

NM_006908.5(RAC1):c.166T>C (p.Trp56Arg)

Gene: RAC1 (Rac family small GTPase 1; plus strand). Cytogenetic location: 7p22.1.
Variant type: single nucleotide variant.
Coding change: c.166T>C on transcript NM_006908.5 (MANE Select); coding-DNA position 166, T replaced by C.
Protein change: p.Trp56Arg; replaces tryptophan 56 with arginine.
Molecular consequence: missense variant.
Genome position (GRCh38, 1-based): chr7:6,391,982, T>C. VCF-style: chr7-6391982-T-C. GRCh37 (hg19) VCF-style: chr7-6431613-T-C.
Other names: c.166T>C, p.Trp56Arg (NM_018890.4); short protein forms W56R.
Identifiers: ClinVar variation 5019703 (VCV005019703.2).